The following is an entry in ClinVar:

ClinVar aggregate classification (germline): Benign/Likely benign. Review status: criteria provided, multiple submitters, no conflicts (2 of 4 stars). 3 submissions from 3 submitters: Benign (1); Likely benign (2). Last evaluated 2026-01-28.

Conditions:
Trichohepatoenteric syndrome 2 (THES2). Identifiers: Orphanet 84064, MedGen C3281289, MONDO:0013818, OMIM 614602.

Allele frequency attached by ClinVar (database versions not stated): ESP Exome Variant Server 0.00012; gnomAD 0.00016 and 0.00026; gnomAD exomes 0.00022 and 0.00043; TOPMed 0.00029; ExAC 0.00042; 1000 Genomes Project 30x 0.00125; 1000 Genomes Project 0.00140.
gnomAD v4.1: 369 of 1,612,146 alleles (0.023%); highest among the groups gnomAD compares: East Asian, 0.5%; no homozygotes.

Submissions (3):

Labcorp Genetics (formerly Invitae), Labcorp
Classification: Benign. Last evaluated: 2026-01-28. Review status: criteria provided, single submitter. Criteria: Invitae Variant Classification Sherloc (09022015). Collection method: clinical testing. Allele origin: germline.

Blueprint Genetics
Classification: Likely benign. Last evaluated: 2024-11-04. Review status: criteria provided, single submitter. Criteria: ACMG Guidelines, 2015. Collection method: clinical testing. Allele origin: germline.

Illumina Laboratory Services, Illumina
Classification: Likely benign for Trichohepatoenteric syndrome 2. Last evaluated: 2018-01-13. Review status: criteria provided, single submitter. Criteria: ICSL Variant Classification Criteria 13 December 2019. Collection method: clinical testing. Allele origin: germline.
Comment: This variant was observed in the ICSL laboratory as part of a predisposition screen in an ostensibly healthy population. It had not been previously curated by ICSL or reported in the Human Gene Mutation Database (HGMD: prior to June 1st, 2018), and was therefore a candidate for classification through an automated scoring system. Utilizing variant allele frequency, disease prevalence and penetrance estimates, and inheritance mode, an automated score was calculated to assess if this variant is too frequent to cause the disease. Based on the score and internal cut-off values, a variant classified as likely benign is not then subjected to further curation. The score for this variant resulted in a classification of likely benign for this disease.

NM_006929.5(SKIC2):c.3159T>C (p.Pro1053=)

Gene: SKIC2 (SKI2 subunit of superkiller complex; plus strand). Cytogenetic location: 6p21.33.
Variant type: single nucleotide variant.
Coding change: c.3159T>C on transcript NM_006929.5 (MANE Select); coding-DNA position 3159, T replaced by C.
Protein change: p.Pro1053=; no amino-acid change (proline 1053 retained).
Molecular consequence: synonymous variant.
Genome position (GRCh38, 1-based): chr6:31,968,775, T>C. VCF-style: chr6-31968775-T-C. GRCh37 (hg19) VCF-style: chr6-31936552-T-C.
Identifiers: ClinVar variation 907414 (VCV000907414.12), dbSNP rs149774440, ClinGen allele CA3729983.